The following is an entry in ClinVar:

NM_001289125.3(IFNAR2):c.671C>A (p.Pro224His)

Genes: IFNAR2 (interferon alpha and beta receptor subunit 2; plus strand), IFNAR2-IL10RB (IFNAR2-IL10RB readthrough; plus strand). Cytogenetic location: 21q22.11.
Variant type: single nucleotide variant.
Coding change: c.671C>A on transcript NM_001289125.3 (MANE Select); coding-DNA position 671, C replaced by A.
Protein change: p.Pro224His; replaces proline 224 with histidine.
Molecular consequence: missense variant.
Genome position (GRCh38, 1-based): chr21:33,252,792, C>A. VCF-style: chr21-33252792-C-A. GRCh37 (hg19) VCF-style: chr21-34625097-C-A.
Other names: c.671C>A, p.Pro224His (NM_000874.5, NM_001289126.2, NM_001289128.2 and 4 more transcripts); short protein forms P224H.
Identifiers: ClinVar variation 1041929 (VCV001041929.4), dbSNP rs1987951503, ClinGen allele CA410100849.

ClinVar aggregate classification (germline): Uncertain significance (1 of 4 stars; one submission).

gnomAD v4.1: 3 of 1,613,978 alleles (0.00019%); highest among the groups gnomAD compares: Non-Finnish European, 0.00025%; no homozygotes.

Submission:

Labcorp Genetics (formerly Invitae), Labcorp
Classification: Uncertain significance. Last evaluated: 2022-07-19. Review status: criteria provided, single submitter. Criteria: Invitae Variant Classification Sherloc (09022015). Collection method: clinical testing. Allele origin: germline.
Comment: This sequence change replaces proline, which is neutral and non-polar, with histidine, which is basic and polar, at codon 224 of the IFNAR2 protein (p.Pro224His). This variant is not present in population databases (gnomAD no frequency). This variant has not been reported in the literature in individuals affected with IFNAR2-related conditions. ClinVar contains an entry for this variant (Variation ID: 1041929). Algorithms developed to predict the effect of missense changes on protein structure and function are either unavailable or do not agree on the potential impact of this missense change (SIFT: "Tolerated"; PolyPhen-2: "Probably Damaging"; Align-GVGD: "Class C0"). In summary, the available evidence is currently insufficient to determine the role of this variant in disease. Therefore, it has been classified as a Variant of Uncertain Significance.